The following is an entry in ClinVar:

ClinVar aggregate classification (germline): Uncertain significance (1 of 4 stars; one submission).

Submission:

GeneDx
Classification: Uncertain significance. Last evaluated: 2020-08-24. Review status: criteria provided, single submitter. Criteria: GeneDx Variant Classification Process June 2021. Collection method: clinical testing. Allele origin: germline. Affected: yes.
Comment: Not observed in large population cohorts (Lek et al., 2016); In silico analysis, which includes protein predictors and evolutionary conservation, supports that this variant does not alter protein structure/function; Has not been previously published as pathogenic or benign to our knowledge

NM_001378120.1(MBD5):c.1597C>A (p.Leu533Ile)

Gene: MBD5 (methyl-CpG binding domain protein 5; plus strand). Cytogenetic location: 2q23.1.
Variant type: single nucleotide variant.
Coding change: c.1597C>A on transcript NM_001378120.1 (MANE Select); coding-DNA position 1597, C replaced by A.
Protein change: p.Leu533Ile; replaces leucine 533 with isoleucine.
Molecular consequence: missense variant.
Genome position (GRCh38, 1-based): chr2:148,469,540, C>A. VCF-style: chr2-148469540-C-A. GRCh37 (hg19) VCF-style: chr2-149227109-C-A.
Other names: c.1597C>A, p.Leu533Ile (NM_018328.5); short protein forms L533I.
Identifiers: ClinVar variation 1312036 (VCV001312036.2), dbSNP rs746692198, ClinGen allele CA348720027.
Genomic context (GRCh38, chr2:148,469,540, plus strand): 5'-GATGGACATCATCAGTACAAGGATATCCCTAACCCATTAATTGCTGGAATAAGTAATGTA[C>A]TAAATACCCCAAGCAGTGCAGCTTTTCCTACTGCATCTGCCGGAAGTAGTTCTGTAAAGA-3'
Protein context (NP_001365049.1, residues 523-543): NPLIAGISNV[Leu533Ile]NTPSSAAFPT